The following is an entry in ClinVar:

NM_001235.5(SERPINH1):c.240C>T (p.Leu80=)

Gene: SERPINH1 (serpin family H member 1; plus strand). Cytogenetic location: 11q13.5.
Variant type: single nucleotide variant.
Coding change: c.240C>T on transcript NM_001235.5 (MANE Select); coding-DNA position 240, C replaced by T.
Protein change: p.Leu80=; no amino-acid change (leucine 80 retained).
Molecular consequence: synonymous variant.
Genome position (GRCh38, 1-based): chr11:75,566,589, C>T. VCF-style: chr11-75566589-C-T. GRCh37 (hg19) VCF-style: chr11-75277634-C-T.
Other names: c.240C>T, p.Leu80= (NM_001207014.3).
Identifiers: ClinVar variation 2974049 (VCV002974049.5), dbSNP rs367576479, ClinGen allele CA6190764.

ClinVar aggregate classification (germline): Likely benign. Review status: criteria provided, single submitter (1 of 4 stars). 2 submissions from 2 submitters: Likely benign (1). 1 of the submissions does not count toward it. Last evaluated 2024-08-24.

Conditions:
SERPINH1-related disorder. Also called: SERPINH1-related condition.

Allele frequency attached by ClinVar (database versions not stated): ExAC 0.00004; gnomAD exomes 0.00004; gnomAD 0.00005; TOPMed 0.00005; ESP Exome Variant Server 0.00008.
gnomAD v4.1: 63 of 1,608,454 alleles (0.0039%); highest among the groups gnomAD compares: Non-Finnish European, 0.0048%; 1 homozygote.

Submissions (2):

Labcorp Genetics (formerly Invitae), Labcorp
Classification: Likely benign. Last evaluated: 2024-08-24. Review status: criteria provided, single submitter. Criteria: Invitae Variant Classification Sherloc (09022015). Collection method: clinical testing. Allele origin: germline.

PreventionGenetics, part of Exact Sciences
Classification: Likely benign for SERPINH1-related condition. Last evaluated: 2019-12-23. Review status: no assertion criteria provided. Collection method: clinical testing. Allele origin: germline. Not counted in ClinVar's aggregate classification.
Comment: This variant is classified as likely benign based on ACMG/AMP sequence variant interpretation guidelines (Richards et al. 2015 PMID: 25741868, with internal and published modifications).